The following is an entry in ClinVar:

ClinVar aggregate classification (germline): Uncertain significance (1 of 4 stars; one submission).

Conditions:
Lethal multiple pterygium syndrome (LMPS). Identifiers: Orphanet 33108, MedGen C1854678, MONDO:0009668, OMIM 253290.

Allele frequency attached by ClinVar (database versions not stated): gnomAD exomes below 0.00001; TOPMed below 0.00001.

Submission:

Labcorp Genetics (formerly Invitae), Labcorp
Classification: Uncertain significance for Lethal multiple pterygium syndrome. Last evaluated: 2021-10-10. Review status: criteria provided, single submitter. Criteria: Invitae Variant Classification Sherloc (09022015). Collection method: clinical testing. Allele origin: germline.
Comment: This variant is not present in population databases (ExAC no frequency). This sequence change replaces proline with serine at codon 214 of the CHRNA1 protein (p.Pro214Ser). The proline residue is moderately conserved and there is a moderate physicochemical difference between proline and serine. In summary, the available evidence is currently insufficient to determine the role of this variant in disease. Therefore, it has been classified as a Variant of Uncertain Significance. Advanced modeling of protein sequence and biophysical properties (such as structural, functional, and spatial information, amino acid conservation, physicochemical variation, residue mobility, and thermodynamic stability) performed at Invitae indicates that this missense variant is not expected to disrupt CHRNA1 protein function. This variant has not been reported in the literature in individuals affected with CHRNA1-related conditions.

NM_000079.4(CHRNA1):c.640C>T (p.Pro214Ser)

Gene: CHRNA1 (cholinergic receptor nicotinic alpha 1 subunit; minus strand). Cytogenetic location: 2q31.1.
Variant type: single nucleotide variant.
Coding change: c.640C>T on transcript NM_000079.4 (MANE Select); coding-DNA position 640, C replaced by T.
Protein change: p.Pro214Ser; replaces proline 214 with serine.
Molecular consequence: missense variant.
Genome position (GRCh38, 1-based): chr2:174,753,641, G>A on the plus strand (C>T on the coding strand, the complement: CHRNA1 is on the minus strand). VCF-style: chr2-174753641-G-A. GRCh37 (hg19) VCF-style: chr2-175618369-G-A.
Other names: c.715C>T, p.Pro239Ser (NM_001039523.3); short protein forms P239S, P214S.
Identifiers: ClinVar variation 1488014 (VCV001488014.6), dbSNP rs1574006591, ClinGen allele CA349339756.
Genomic context (GRCh38, chr2:174,753,641, plus strand): 5'-AGTAGAGGGGCAGGCGCTGCATGACGAAGTGGTAGGTGATGTCCAGGTAGGGGGTGTCGG[G>A]GCAGCAGGAATAGGTCACGGAGTGCTTCCAGCCCCGGGACTCCTTGATCACCCACTCCCC-3'
Protein context (NP_000070.1, residues 204-224): WKHSVTYSCC[Pro214Ser]DTPYLDITYH